The following is an entry in ClinVar:

NC_000001.10:g.(?_100335936)_(100336445_?)del

Gene: AGL (amylo-alpha-1,6-glucosidase and 4-alpha-glucanotransferase; plus strand). Cytogenetic location: 1p21.2.
Variant type: Deletion.
Identifiers: ClinVar variation 1500182 (VCV001500182.4).

ClinVar aggregate classification (germline): Likely pathogenic (1 of 4 stars; one submission).

Conditions:
Glycogen storage disease type III (GSD3). Also called: Cori disease; FORBES DISEASE. Identifiers: Orphanet 366, MedGen C0017922, MONDO:0009291, OMIM 232400.

Submission:

Labcorp Genetics (formerly Invitae), Labcorp
Classification: Likely pathogenic for Glycogen storage disease type III. Last evaluated: 2021-07-08. Review status: criteria provided, single submitter. Criteria: Invitae Variant Classification Sherloc (09022015). Collection method: clinical testing. Allele origin: germline.
Comment: This variant is a gross deletion of the genomic region encompassing exon(s) 6-7 of the AGL gene. This variant would be expected to be in-frame, preserving the integrity of the reading frame. A similar copy number variant has been observed in individual(s) with glycogen storage disease III (PMID: 33344388). In at least one individual the data is consistent with the variant being in trans (on the opposite chromosome) from a pathogenic variant. This variant disrupts a region of the AGL protein in which other variant(s) (p.Cys234Arg) have been observed in individuals with AGL-related conditions (PMID: 12442284). This suggests that this is a clinically significant region of the protein, and that variants that disrupt it are likely to be disease-causing. In summary, the currently available evidence indicates that the variant is pathogenic, but additional data are needed to prove that conclusively. Therefore, this variant has been classified as Likely Pathogenic.

Literature cited by the submitters: PubMed 33344388; PubMed 12442284.